The following is an entry in ClinVar:

NM_003000.3(SDHB):c.505C>G (p.Gln169Glu)

Gene: SDHB (succinate dehydrogenase complex iron sulfur subunit B; minus strand). Cytogenetic location: 1p36.13.
Variant type: single nucleotide variant.
Coding change: c.505C>G on transcript NM_003000.3 (MANE Select); coding-DNA position 505, C replaced by G.
Protein change: p.Gln169Glu; replaces glutamine 169 with glutamic acid.
Molecular consequence: missense variant.
Genome position (GRCh38, 1-based): chr1:17,027,784, G>C on the plus strand (C>G on the coding strand, the complement: SDHB is on the minus strand). VCF-style: chr1-17027784-G-C. GRCh37 (hg19) VCF-style: chr1-17354279-G-C.
Other names: short protein forms Q169E.
Identifiers: ClinVar variation 938636 (VCV000938636.11), dbSNP rs1553177676, ClinGen allele CA338272629.

ClinVar aggregate classification (germline): Uncertain significance. Review status: criteria provided, multiple submitters, no conflicts (2 of 4 stars). 3 submissions from 3 submitters: Uncertain significance (3). Last evaluated 2025-09-08.

Conditions:
Hereditary cancer-predisposing syndrome. Also called: Hereditary neoplastic syndrome; Neoplastic Syndromes, Hereditary; Hereditary Cancer Syndrome; Tumor predisposition. Identifiers: Orphanet 140162, MedGen C0027672, MeSH D009386, MONDO:0015356.
Gastrointestinal stromal tumor. Also called: Gastrointestinal stromal tumor, somatic; Gastrointestinal stroma tumor. Identifiers: Orphanet 44890, MedGen C0238198, MeSH D046152, MONDO:0011719, OMIM 606764, HP:0100723.
Pheochromocytoma/paraganglioma syndrome 4. Also called: CAROTID BODY TUMORS AND MULTIPLE EXTRAADRENAL PHEOCHROMOCYTOMAS; SDHB-Related Hereditary Paraganglioma-Pheochromocytoma Syndrome; Paragangliomas 4; SDHB-Related Hereditary Paraganglioma-Pheochromocytoma Syndrome (Paragangliomas 4); PARAGANGLIOMA, FAMILIAL MALIGNANT; PARAGANGLIOMAS, HEREDITARY EXTRAADRENAL. Identifiers: Orphanet 29072, MedGen C1861848, MONDO:0007273, OMIM 115310.
Pheochromocytoma. Also called: MAX-Related Hereditary Paraganglioma-Pheochromocytoma Syndrome. Identifiers: Orphanet 29072, MedGen C0031511, MONDO:0008233, OMIM 171300, HP:0002666.
Hereditary pheochromocytoma and paraganglioma. Also called: Hereditary pheochromocytoma-paraganglioma; Hereditary Paraganglioma-Pheochromocytoma Syndromes; Hereditary paragangliomas and pheochromocytomas. Identifiers: Orphanet 29072, MedGen C4274332, MONDO:0017366.

gnomAD v4.1: 1 of 1,611,592 alleles (0.000062%); highest among the groups gnomAD compares: Non-Finnish European, 0.000085%; no homozygotes.

Submissions (3):

Ambry Genetics
Classification: Uncertain significance for Hereditary cancer-predisposing syndrome. Last evaluated: 2025-09-08. Review status: criteria provided, single submitter. Criteria: Ambry Variant Classification Scheme 2023. Collection method: clinical testing. Allele origin: germline.
Comment: The p.Q169E variant (also known as c.505C>G), located in coding exon 5 of the SDHB gene, results from a C to G substitution at nucleotide position 505. The glutamine at codon 169 is replaced by glutamic acid, an amino acid with highly similar properties. This amino acid position is highly conserved in available vertebrate species. In addition, this alteration is predicted to be deleterious by in silico analysis. Since supporting evidence is limited at this time, the clinical significance of this alteration remains unclear.

Labcorp Genetics (formerly Invitae), Labcorp
Classification: Uncertain significance for Gastrointestinal stromal tumor; Pheochromocytoma/paraganglioma syndrome 4; Pheochromocytoma. Last evaluated: 2025-08-26. Review status: criteria provided, single submitter. Criteria: Invitae Variant Classification Sherloc (09022015). Collection method: clinical testing. Allele origin: germline.
Comment: This sequence change replaces glutamine, which is neutral and polar, with glutamic acid, which is acidic and polar, at codon 169 of the SDHB protein (p.Gln169Glu). This variant is not present in population databases (gnomAD no frequency). This variant has not been reported in the literature in individuals affected with SDHB-related conditions. ClinVar contains an entry for this variant (Variation ID: 938636). Invitae Evidence Modeling of protein sequence and biophysical properties (such as structural, functional, and spatial information, amino acid conservation, physicochemical variation, residue mobility, and thermodynamic stability) indicates that this missense variant is not expected to disrupt SDHB protein function with a negative predictive value of 80%. In summary, the available evidence is currently insufficient to determine the role of this variant in disease. Therefore, it has been classified as a Variant of Uncertain Significance.

All of Us Research Program, National Institutes of Health
Classification: Uncertain significance for Hereditary pheochromocytoma and paraganglioma. Last evaluated: 2023-03-28. Review status: criteria provided, single submitter. Criteria: ACMG Guidelines, 2015. Collection method: clinical testing. Allele origin: germline. Inheritance: Autosomal dominant inheritance. Observed: 1 variant allele, 1 heterozygote.
Comment: This study involves interpretation of variants in research participants for the purpose of population health screening. Participant phenotype was not available at the time of variant classification. Additional details can be found in publication PMID: 35346344, PMCID: PMC8962531